The following is an entry in ClinVar:

ClinVar aggregate classification (germline): Pathogenic/Likely pathogenic. Review status: criteria provided, multiple submitters, no conflicts (2 of 4 stars). 2 submissions from 2 submitters: Pathogenic (1); Likely pathogenic (1). Last evaluated 2023-01-16.

Conditions:
Glycine encephalopathy. Also called: Nonketotic hyperglycinemia; Non-ketotic hyperglycinemia. Identifiers: Orphanet 407, MedGen C0751748, MONDO:0011612, HP:0008288.

Allele frequency attached by ClinVar (database versions not stated): gnomAD exomes below 0.00001; ExAC 0.00001.
gnomAD v4.1: 4 of 1,531,876 alleles (0.00026%); highest among the groups gnomAD compares: Non-Finnish European, 0.00036%; no homozygotes.

Submissions (2):

Labcorp Genetics (formerly Invitae), Labcorp
Classification: Pathogenic for Glycine encephalopathy. Last evaluated: 2023-01-16. Review status: criteria provided, single submitter. Criteria: Invitae Variant Classification Sherloc (09022015). Collection method: clinical testing. Allele origin: germline.
Comment: For these reasons, this variant has been classified as Pathogenic. Variants that disrupt the consensus splice site are a relatively common cause of aberrant splicing (PMID: 17576681, 9536098). Algorithms developed to predict the effect of sequence changes on RNA splicing suggest that this variant may disrupt the consensus splice site. ClinVar contains an entry for this variant (Variation ID: 421932). This variant has been observed in individual(s) with glycine encephalopathy (PMID: 80128, 27362913, 33977025). This variant is present in population databases (rs768091555, gnomAD 0.0009%). This sequence change falls in intron 24 of the GLDC gene. It does not directly change the encoded amino acid sequence of the GLDC protein. It affects a nucleotide within the consensus splice site.

GeneDx
Classification: Likely pathogenic. Last evaluated: 2019-09-18. Review status: criteria provided, single submitter. Criteria: GeneDx Variant Classification Process June 2021. Collection method: clinical testing. Allele origin: germline. Affected: yes.
Comment: Predicted to destroy the natural splice donor site for intron 24 and other splice site variants affecting this same site have been reported as deleterious (Stenson et al., 2014); Not observed at a significant frequency in large population cohorts (Lek et al., 2016); This variant is associated with the following publications: (PMID: 27362913)

Literature cited by the submitters: PubMed 17576681 (cited by Labcorp Genetics (formerly Invitae), Labcorp); PubMed 9536098 (cited by Labcorp Genetics (formerly Invitae), Labcorp); PubMed 80128 (cited by Labcorp Genetics (formerly Invitae), Labcorp); PubMed 27362913 (cited by Labcorp Genetics (formerly Invitae), Labcorp); PubMed 33977025 (cited by Labcorp Genetics (formerly Invitae), Labcorp).

NM_000170.3(GLDC):c.2919+5G>T

Gene: GLDC (glycine decarboxylase; minus strand). Cytogenetic location: 9p24.1.
Variant type: single nucleotide variant.
Coding change: c.2919+5G>T on transcript NM_000170.3 (MANE Select); 5 bases into the intron after coding-DNA position 2919, G replaced by T.
Molecular consequence: intron variant.
Genome position (GRCh38, 1-based): chr9:6,534,703, C>A on the plus strand (G>T on the coding strand, the complement: GLDC is on the minus strand). VCF-style: chr9-6534703-C-A. GRCh37 (hg19) VCF-style: chr9-6534703-C-A.
Identifiers: ClinVar variation 421932 (VCV000421932.8), dbSNP rs768091555, ClinGen allele CA4980018.